The following is an entry in ClinVar:

ClinVar aggregate classification (germline): Likely benign (0 of 4 stars; one submission).

Conditions:
NFATC1-related disorder. Also called: NFATC1-related condition.

gnomAD v4.1: 84 of 1,526,718 alleles (0.0055%); highest among the groups gnomAD compares: Middle Eastern, 0.035%; no homozygotes.

Submission:

PreventionGenetics, part of Exact Sciences
Classification: Likely benign for NFATC1-related condition. Last evaluated: 2019-07-12. Review status: no assertion criteria provided. Collection method: clinical testing. Allele origin: germline.
Comment: This variant is classified as likely benign based on ACMG/AMP sequence variant interpretation guidelines (Richards et al. 2015 PMID: 25741868, with internal and published modifications).

NM_001278669.2(NFATC1):c.1917C>T (p.Val639=)

Gene: NFATC1 (nuclear factor of activated T cells 1; plus strand). Cytogenetic location: 18q23.
Variant type: single nucleotide variant.
Coding change: c.1917C>T on transcript NM_001278669.2 (MANE Select); coding-DNA position 1917, C replaced by T.
Protein change: p.Val639=; no amino-acid change (valine 639 retained).
Molecular consequence: synonymous variant.
Genome position (GRCh38, 1-based): chr18:79,461,324, C>T. VCF-style: chr18-79461324-C-T. GRCh37 (hg19) VCF-style: chr18-77221324-C-T.
Other names: c.1917C>T, p.Val639= (NM_001278670.2, NM_006162.5, NM_172390.3); c.1878C>T, p.Val626= (NM_001278672.2, NM_001278675.2, NM_172387.3 and 1 more transcripts); c.501C>T, p.Val167= (NM_001278673.2, NM_172388.3).
Identifiers: ClinVar variation 3351994 (VCV003351994.1).
Genomic context (GRCh38, chr18:79,461,324, plus strand): 5'-CTCCCCACCACACAGAGTCACAGACGTTTCCTGCTCCTTTCTTCCAGATGGCCACCATGT[C>T]TGGGAGATGGAAGCGAAAACTGACCGGGACCTGTGCAAGCCGGTGAGTGCCTTTGGCGCA-3'
Protein context (NP_001265598.1, residues 629-649): FVEKAPDGHH[Val639=]WEMEAKTDRD